The following is an entry in ClinVar:

NM_000060.4:c.419G>A

Variant type: single nucleotide variant.
Other names: c.419G>A (NM_000060.4).
Identifiers: ClinVar variation 4816012 (VCV004816012.1).

ClinVar aggregate classification (germline): Pathogenic (1 of 4 stars; one submission).

Conditions:
Biotinidase deficiency. Also called: BTD deficiency; Late-onset biotin-responsive multiple carboxylase deficiency; Biotin deficiency. Identifiers: Orphanet 79241, MedGen C0220754, MONDO:0009665, OMIM 253260.

Submission:

Natera, Inc.
Classification: Pathogenic for Biotinidase deficiency. Last evaluated: 2025-10-22. Review status: criteria provided, single submitter. Criteria: Natera Variant Classification Schema (03/2026). Collection method: clinical testing. Allele origin: germline.
Comment: The c.419G>A variant in BTD is a nonsense variant predicted to introduce a stop codon at amino acid 140. This variant is expected to result in nonsense mediated decay, truncation, or a dysfunctional protein product. This variant is rare in the general population with a frequency below the threshold expected for the associated phenotype(s). This variant has been observed in one or more individuals affected with the associated recessive disease, as either homozygous or compound heterozygous with a second variant (PMID: 29353266). Given the available evidence, this variant is classified as Pathogenic.

Literature cited by the submitters: PubMed 29353266.